The following is an entry in ClinVar:

ClinVar aggregate classification (germline): Uncertain significance. Review status: criteria provided, multiple submitters, no conflicts (2 of 4 stars). 3 submissions from 3 submitters: Uncertain significance (3). Last evaluated 2023-12-05.

Conditions:
Hereditary cancer-predisposing syndrome. Also called: Tumor predisposition; Neoplastic Syndromes, Hereditary; Hereditary Cancer Syndrome; Hereditary neoplastic syndrome. Identifiers: Orphanet 140162, MedGen C0027672, MeSH D009386, MONDO:0015356.
Fanconi anemia complementation group J. Also called: BRIP1-Related Fanconi Anemia. Identifiers: Orphanet 84, MedGen C1836860, MONDO:0012187, OMIM 609054.
Familial cancer of breast. Also called: BREAST CANCER, FAMILIAL; hereditary breast carcinoma; Hereditary breast cancer. Identifiers: Orphanet 227535, MedGen C0346153, MONDO:0016419, OMIM 114480. Disease mechanism: loss of function.

Submissions (3):

Color Diagnostics, LLC DBA Color Health
Classification: Uncertain significance for Hereditary cancer-predisposing syndrome. Last evaluated: 2023-12-05. Review status: criteria provided, single submitter. Criteria: ACMG Guidelines, 2015. Collection method: clinical testing. Allele origin: germline.
Comment: This missense variant replaces glutamine with histidine at codon 553 of the BRIP1 protein. Computational prediction is inconclusive regarding the impact of this variant on protein structure and function (internally defined REVEL score threshold 0.5 < inconclusive < 0.7, PMID: 27666373). To our knowledge, functional studies have not been reported for this variant. This variant has not been reported in individuals affected with BRIP1-related disorders in the literature. This variant has not been identified in the general population by the Genome Aggregation Database (gnomAD). The available evidence is insufficient to determine the role of this variant in disease conclusively. Therefore, this variant is classified as a Variant of Uncertain Significance.

Labcorp Genetics (formerly Invitae), Labcorp
Classification: Uncertain significance for Familial cancer of breast; Fanconi anemia complementation group J. Last evaluated: 2023-09-22. Review status: criteria provided, single submitter. Criteria: Invitae Variant Classification Sherloc (09022015). Collection method: clinical testing. Allele origin: germline.
Comment: This sequence change replaces glutamine, which is neutral and polar, with histidine, which is basic and polar, at codon 553 of the BRIP1 protein (p.Gln553His). This variant is not present in population databases (gnomAD no frequency). This variant has not been reported in the literature in individuals affected with BRIP1-related conditions. ClinVar contains an entry for this variant (Variation ID: 489815). Advanced modeling of protein sequence and biophysical properties (such as structural, functional, and spatial information, amino acid conservation, physicochemical variation, residue mobility, and thermodynamic stability) performed at Invitae indicates that this missense variant is expected to disrupt BRIP1 protein function. In summary, the available evidence is currently insufficient to determine the role of this variant in disease. Therefore, it has been classified as a Variant of Uncertain Significance.

Ambry Genetics
Classification: Uncertain significance for Hereditary cancer-predisposing syndrome. Last evaluated: 2019-05-08. Review status: criteria provided, single submitter. Criteria: Ambry Variant Classification Scheme 2023. Collection method: clinical testing. Allele origin: germline.
Comment: The p.Q553H variant (also known as c.1659A>C), located in coding exon 11 of the BRIP1 gene, results from an A to C substitution at nucleotide position 1659. The glutamine at codon 553 is replaced by histidine, an amino acid with highly similar properties. This amino acid position is highly conserved in available vertebrate species. In addition, this alteration is predicted to be deleterious by in silico analysis. Since supporting evidence is limited at this time, the clinical significance of this alteration remains unclear.

NM_032043.3(BRIP1):c.1659A>C (p.Gln553His)

Gene: BRIP1 (BRCA1 interacting DNA helicase 1; minus strand). Cytogenetic location: 17q23.2.
Variant type: single nucleotide variant.
Coding change: c.1659A>C on transcript NM_032043.3 (MANE Select); coding-DNA position 1659, A replaced by C.
Protein change: p.Gln553His; replaces glutamine 553 with histidine.
Molecular consequence: missense variant.
Genome position (GRCh38, 1-based): chr17:61,780,975, T>G on the plus strand (A>C on the coding strand, the complement: BRIP1 is on the minus strand). VCF-style: chr17-61780975-T-G. GRCh37 (hg19) VCF-style: chr17-59858336-T-G.
Other names: short protein forms Q553H.
Identifiers: ClinVar variation 489815 (VCV000489815.19), dbSNP rs876660693, ClinGen allele CA400480526.
Genomic context (GRCh38, chr17:61,780,975, plus strand): 5'-TAGAACCAACAACCCATTTTTGTCTGAAATATCAATCTGATTTGTCCAGGAGTAAGTCTG[T>G]TGAATCGCAATTTTATAATCATCTGCAAATCTAGATGCAAAGAAAGTGCTAATTAAGTGG-3'
Protein context (NP_114432.2, residues 543-563): RFADDYKIAI[Gln553His]QTYSWTNQID